The following is an entry in ClinVar:

NM_001374259.2(IL12RB2):c.778C>G (p.Arg260Gly)

Gene: IL12RB2 (interleukin 12 receptor subunit beta 2; plus strand). Cytogenetic location: 1p31.3.
Variant type: single nucleotide variant.
Coding change: c.778C>G on transcript NM_001374259.2 (MANE Select); coding-DNA position 778, C replaced by G.
Protein change: p.Arg260Gly; replaces arginine 260 with glycine.
Molecular consequence: missense variant. On other transcripts: non-coding transcript variant (2).
Genome position (GRCh38, 1-based): chr1:67,329,700, C>G. VCF-style: chr1-67329700-C-G. GRCh37 (hg19) VCF-style: chr1-67795383-C-G.
Other names: c.778C>G, p.Arg260Gly (NM_001258214.1, NM_001258215.1, NM_001258216.1 and 2 more transcripts); short protein forms R260G.
Identifiers: ClinVar variation 3649580 (VCV003649580.2).

ClinVar aggregate classification (germline): Uncertain significance (1 of 4 stars; one submission).

Submission:

Labcorp Genetics (formerly Invitae), Labcorp
Classification: Uncertain significance. Last evaluated: 2024-04-11. Review status: criteria provided, single submitter. Criteria: Invitae Variant Classification Sherloc (09022015). Collection method: clinical testing. Allele origin: germline.
Comment: This sequence change replaces arginine, which is basic and polar, with glycine, which is neutral and non-polar, at codon 260 of the IL12RB2 protein (p.Arg260Gly). This variant is not present in population databases (gnomAD no frequency). This variant has not been reported in the literature in individuals affected with IL12RB2-related conditions. An algorithm developed to predict the effect of missense changes on protein structure and function (PolyPhen-2) suggests that this variant is likely to be disruptive. In summary, the available evidence is currently insufficient to determine the role of this variant in disease. Therefore, it has been classified as a Variant of Uncertain Significance.